The following is an entry in ClinVar:

NM_004006.3(DMD):c.93+5593T>A

Gene: DMD (dystrophin; minus strand). Cytogenetic location: Xp21.1.
Variant type: single nucleotide variant.
Coding change: c.93+5593T>A on transcript NM_004006.3 (MANE Select); 5593 bases into the intron after coding-DNA position 93, T replaced by A.
Molecular consequence: intron variant.
Genome position (GRCh38, 1-based): chrX:33,014,546, A>T on the plus strand (T>A on the coding strand, the complement: DMD is on the minus strand). VCF-style: chrX-33014546-A-T. GRCh37 (hg19) VCF-style: chrX-33032663-A-T.
Other names: c.69+5593T>A (NM_000109.4); c.81+5593T>A (NM_004009.3); c.-277+5593T>A (NM_004010.3).
Identifiers: ClinVar variation 137111 (VCV000137111.6), dbSNP rs34352997, ClinGen allele CA290631.

ClinVar aggregate classification (germline): Benign/Likely benign. Review status: criteria provided, multiple submitters, no conflicts (2 of 4 stars). 4 submissions from 4 submitters: Benign (2); Likely benign (1). 1 of the submissions does not count toward it. Last evaluated 2025-11-14.

Conditions:
Dystrophin deficiency.
Becker muscular dystrophy (BMD). Also called: MUSCULAR DYSTROPHY, PSEUDOHYPERTROPHIC PROGRESSIVE, BECKER TYPE; Becker Muscular Dystrophy (BMD). Identifiers: Orphanet 98895, MedGen C0917713, MONDO:0010311, OMIM 300376.
Cardiomyopathy (CMYO). Also called: Cardiomyopathies. Identifiers: Orphanet 167848, MedGen C0878544, MONDO:0004994, HP:0001638. Inheritance: Various modes of inheritance.
Duchenne muscular dystrophy (DMD). Also called: Duchenne Muscular Dystrophy (DMD); MUSCULAR DYSTROPHY, PSEUDOHYPERTROPHIC PROGRESSIVE, DUCHENNE TYPE. Identifiers: Orphanet 98896, MedGen C0013264, MONDO:0010679, OMIM 310200.

Allele frequency attached by ClinVar (database versions not stated): TOPMed 0.11646; 1000 Genomes Project 0.13033; 1000 Genomes Project 30x 0.13340; gnomAD 0.09779 and 0.10114.
gnomAD v4.1: 10,814 of 110,978 alleles (9.7%); highest among the groups gnomAD compares: African/African-American, 23%; 747 homozygotes.

Submissions (4):

Women's Health and Genetics/Laboratory Corporation of America, LabCorp
Classification: Likely benign. Last evaluated: 2025-11-14. Review status: criteria provided, single submitter. Criteria: LabCorp Variant Classification Summary - May 2015. Collection method: clinical testing. Allele origin: germline.

Blueprint Genetics
Classification: Benign. Last evaluated: 2024-11-28. Review status: criteria provided, single submitter. Criteria: ACMG Guidelines, 2015. Collection method: clinical testing. Allele origin: germline.

GeneDx
Classification: Benign. Last evaluated: 2014-01-08. Review status: criteria provided, single submitter. Criteria: GeneDx Variant Classification (06012015). Collection method: clinical testing. Allele origin: germline. Affected: yes.
Comment: This variant is considered likely benign or benign based on one or more of the following criteria: it is a conservative change, it occurs at a poorly conserved position in the protein, it is predicted to be benign by multiple in silico algorithms, and/or has population frequency not consistent with disease.

Natera, Inc.
Classification: Benign for Becker muscular dystrophy; Cardiomyopathy; Duchenne muscular dystrophy; Dystrophin deficiency. Last evaluated: 2017-04-20. Review status: no assertion criteria provided. Collection method: clinical testing. Allele origin: germline. Not counted in ClinVar's aggregate classification.